The following is an entry in ClinVar:

ClinVar aggregate classification (germline): Pathogenic (1 of 4 stars; one submission).

Allele frequency attached by ClinVar (database versions not stated): gnomAD exomes below 0.00001 and 0.00001; ExAC 0.00001; gnomAD 0.00001.

Submission:

GeneDx
Classification: Pathogenic. Last evaluated: 2014-02-07. Review status: criteria provided, single submitter. Criteria: GeneDx Variant Classification (06012015). Collection method: clinical testing. Allele origin: germline. Affected: yes.
Comment: c.201_202insG: p.Gln68AlafsX82 (Q68AfsX82) in exon 2 in the NUBPL gene (NM_025152). The normal sequence with the bases that are inserted in braces is: TAAA{G}CAAG. The c.201_202insG mutation in the NUBPL gene has not been reported previously as a disease-causing mutation nor as a benign polymorphism, to our knowledge. The c.201_202insG mutation causes a frameshift starting with codon Glutamine 68, changes this amino acid to an Alanine residue, and creates a premature Stop codon at position 82 of the new reading frame, denoted p.Gln68AlafsX82. This mutation is predicted to cause loss of normal protein function either through protein truncation or nonsensemediated mRNA decay. We interpret c.201_202insG as a disease-causing mutation. The variant is found in NUBPL, panel(s).

NM_025152.3(NUBPL):c.201_202insG (p.Gln68fs)

Gene: NUBPL (NUBP iron-sulfur cluster assembly factor, mitochondrial; plus strand). Cytogenetic location: 14q12.
Variant type: Insertion.
Coding change: c.201_202insG on transcript NM_025152.3 (MANE Select); coding-DNA positions 201 to 202, G inserted.
Protein change: p.Gln68fs; shifts the reading frame from glutamine 68.
Molecular consequence: frameshift variant. On other transcripts: non-coding transcript variant (1).
Genome position: GRCh38 VCF-style: chr14-31562160-A-AG. GRCh37 (hg19) VCF-style: chr14-32031366-A-AG.
Other names: short protein forms Q68fs.
Identifiers: ClinVar variation 214884 (VCV000214884.1), dbSNP rs749681373, ClinGen allele CA324729.